The following is an entry in ClinVar:

NM_002335.4(LRP5):c.1636C>T (p.Pro546Ser)

Gene: LRP5 (LDL receptor related protein 5; plus strand). Cytogenetic location: 11q13.2.
Variant type: single nucleotide variant.
Coding change: c.1636C>T on transcript NM_002335.4 (MANE Select); coding-DNA position 1636, C replaced by T.
Protein change: p.Pro546Ser; replaces proline 546 with serine.
Molecular consequence: missense variant. On other transcripts: 5 prime UTR variant (1).
Genome position (GRCh38, 1-based): chr11:68,403,534, C>T. VCF-style: chr11-68403534-C-T. GRCh37 (hg19) VCF-style: chr11-68171002-C-T.
Other names: c.-302C>T (NM_001291902.2); c.1636C>T (NM_002335.2); short protein forms P546S.
Identifiers: ClinVar variation 1019385 (VCV001019385.11), dbSNP rs774097621, ClinGen allele CA6149396.

ClinVar aggregate classification (germline): Uncertain significance. Review status: criteria provided, multiple submitters, no conflicts (2 of 4 stars). 3 submissions from 3 submitters: Uncertain significance (3). Last evaluated 2022-10-04.

Conditions:
Inborn genetic diseases. Identifiers: MedGen C0950123, MeSH D030342.
Bone mineral density quantitative trait locus 1 (BMND1). Identifiers: MedGen C1866079, OMIM 601884.
Worth disease. Also called: ENDOSTEAL HYPEROSTOSIS, AUTOSOMAL DOMINANT; OSTEOSCLEROSIS, AUTOSOMAL DOMINANT; Autosomal dominant osteosclerosis, Worth type. Identifiers: Orphanet 2790, MedGen C0432273, MONDO:0007764, OMIM 144750.
Exudative vitreoretinopathy 4 (EVR4). Identifiers: Orphanet 891, MedGen C1866176, MONDO:0011151, OMIM 601813.
Osteoporosis. Identifiers: MedGen C0029456, MONDO:0005298, OMIM 166710, HP:0000939.
Polycystic liver disease 4 with or without kidney cysts. Identifiers: MedGen C4693479, MONDO:0044327, OMIM 617875.
Exudative vitreoretinopathy 1 (EVR1). Also called: CRISWICK-SCHEPENS SYNDROME; FEVR, AUTOSOMAL DOMINANT; Familial exudative vitreoretinopathy, autosomal dominant. Identifiers: Orphanet 891, Orphanet 90050, MedGen C1851402, MONDO:0007589, OMIM 133780.
Autosomal dominant osteopetrosis 1 (OPTA1). Also called: OSTEOPETROSIS, AUTOSOMAL DOMINANT, TYPE I. Identifiers: Orphanet 2783, MedGen C1843330, MONDO:0011877, OMIM 607634.
Osteoporosis with pseudoglioma (OPPG). Also called: osteoporosis-pseudoglioma syndrome. Identifiers: Orphanet 2788, MedGen C0432252, MONDO:0009820, OMIM 259770.

Allele frequency attached by ClinVar (database versions not stated): gnomAD exomes below 0.00001; ExAC 0.00002; TOPMed 0.00003; gnomAD 0.00006.
gnomAD v4.1: 15 of 1,614,072 alleles (0.00093%); highest among the groups gnomAD compares: African/African-American, 0.02%; no homozygotes.

Submissions (3):

Labcorp Genetics (formerly Invitae), Labcorp
Classification: Uncertain significance. Last evaluated: 2022-10-04. Review status: criteria provided, single submitter. Criteria: Invitae Variant Classification Sherloc (09022015). Collection method: clinical testing. Allele origin: germline.
Comment: Algorithms developed to predict the effect of missense changes on protein structure and function (SIFT, PolyPhen-2, Align-GVGD) all suggest that this variant is likely to be disruptive. ClinVar contains an entry for this variant (Variation ID: 1019385). This variant has not been reported in the literature in individuals affected with LRP5-related conditions. In summary, the available evidence is currently insufficient to determine the role of this variant in disease. Therefore, it has been classified as a Variant of Uncertain Significance. This variant is present in population databases (rs774097621, gnomAD 0.01%). This sequence change replaces proline, which is neutral and non-polar, with serine, which is neutral and polar, at codon 546 of the LRP5 protein (p.Pro546Ser).

Fulgent Genetics
Classification: Uncertain significance for Exudative vitreoretinopathy 1; Worth disease; Osteoporosis; Osteoporosis with pseudoglioma; Exudative vitreoretinopathy 4; Bone mineral density quantitative trait locus 1; Autosomal dominant osteopetrosis 1; Polycystic liver disease 4 with or without kidney cysts. Last evaluated: 2021-10-27. Review status: criteria provided, single submitter. Criteria: ACMG Guidelines, 2015. Collection method: clinical testing. Allele origin: unknown.

Ambry Genetics
Classification: Uncertain significance for Inborn genetic diseases. Last evaluated: 2021-07-14. Review status: criteria provided, single submitter. Criteria: Ambry Variant Classification Scheme 2023. Collection method: clinical testing. Allele origin: germline.